The following is an entry in ClinVar:

ClinVar aggregate classification (germline): Uncertain significance (1 of 4 stars; one submission).

gnomAD v4.1: 7 of 1,545,194 alleles (0.00045%); highest among the groups gnomAD compares: Non-Finnish European, 0.00061%; no homozygotes.

Submission:

GeneDx
Classification: Uncertain significance. Last evaluated: 2026-01-30. Review status: criteria provided, single submitter. Criteria: GeneDx Variant Classification Process June 2021. Collection method: clinical testing. Allele origin: germline.
Comment: Not observed at significant frequency in large population cohorts (gnomAD); In silico analysis suggests that this missense variant does not alter protein structure/function; Has not been previously published as pathogenic or benign to our knowledge

NM_001127222.2(CACNA1A):c.3502G>C (p.Val1168Leu)

Gene: CACNA1A (calcium voltage-gated channel subunit alpha1 A; minus strand). Cytogenetic location: 19p13.13.
Variant type: single nucleotide variant.
Coding change: c.3502G>C on transcript NM_001127222.2 (MANE Select); coding-DNA position 3502, G replaced by C.
Protein change: p.Val1168Leu; replaces valine 1168 with leucine.
Molecular consequence: missense variant.
Genome position (GRCh38, 1-based): chr19:13,286,554, C>G on the plus strand (G>C on the coding strand, the complement: CACNA1A is on the minus strand). VCF-style: chr19-13286554-C-G. GRCh37 (hg19) VCF-style: chr19-13397368-C-G.
Other names: c.3514G>C, p.Val1172Leu (NM_000068.4, NM_023035.3); c.3505G>C, p.Val1169Leu (NM_001127221.2, NM_001174080.2); short protein forms V1168L, V1169L, V1172L.
Identifiers: ClinVar variation 4975148 (VCV004975148.1).